The following is an entry in ClinVar:

NM_000098.3(CPT2):c.1894A>G (p.Asn632Asp)

Gene: CPT2 (carnitine palmitoyltransferase 2; plus strand). Cytogenetic location: 1p32.3.
Variant type: single nucleotide variant.
Coding change: c.1894A>G on transcript NM_000098.3 (MANE Select); coding-DNA position 1894, A replaced by G.
Protein change: p.Asn632Asp; replaces asparagine 632 with aspartic acid.
Molecular consequence: missense variant.
Genome position (GRCh38, 1-based): chr1:53,213,512, A>G. VCF-style: chr1-53213512-A-G. GRCh37 (hg19) VCF-style: chr1-53679184-A-G.
Other names: c.1825A>G, p.Asn609Asp (NM_001330589.2); c.1894A>G (NM_000098.2); short protein forms N609D, N632D.
Identifiers: ClinVar variation 2167029 (VCV002167029.2), dbSNP rs1042375038, ClinGen allele CA22642213.

ClinVar aggregate classification (germline): Uncertain significance. Review status: criteria provided, multiple submitters, no conflicts (2 of 4 stars). 2 submissions from 2 submitters: Uncertain significance (2). Last evaluated 2024-12-23.

Conditions:
Inborn genetic diseases. Identifiers: MedGen C0950123, MeSH D030342.
Carnitine palmitoyltransferase II deficiency. Also called: Carnitine Palmitoyltransferase 2 Deficiency. Identifiers: Orphanet 157, MedGen C0342790, MONDO:0015515.

Allele frequency attached by ClinVar (database versions not stated): gnomAD exomes below 0.00001.
gnomAD v4.1: 3 of 1,614,244 alleles (0.00019%); highest among the groups gnomAD compares: Admixed American, 0.0033%; no homozygotes.

Submissions (2):

Ambry Genetics
Classification: Uncertain significance for Inborn genetic diseases. Last evaluated: 2024-12-23. Review status: criteria provided, single submitter. Criteria: Ambry Variant Classification Scheme 2023. Collection method: clinical testing. Allele origin: germline.

Labcorp Genetics (formerly Invitae), Labcorp
Classification: Uncertain significance for Carnitine palmitoyltransferase II deficiency. Last evaluated: 2022-03-15. Review status: criteria provided, single submitter. Criteria: Invitae Variant Classification Sherloc (09022015). Collection method: clinical testing. Allele origin: germline.
Comment: This sequence change replaces asparagine, which is neutral and polar, with aspartic acid, which is acidic and polar, at codon 632 of the CPT2 protein (p.Asn632Asp). This variant is present in population databases (no rsID available, gnomAD 0.003%). This variant has not been reported in the literature in individuals affected with CPT2-related conditions. Advanced modeling of protein sequence and biophysical properties (such as structural, functional, and spatial information, amino acid conservation, physicochemical variation, residue mobility, and thermodynamic stability) performed at Invitae indicates that this missense variant is not expected to disrupt CPT2 protein function. In summary, the available evidence is currently insufficient to determine the role of this variant in disease. Therefore, it has been classified as a Variant of Uncertain Significance.